The following is an entry in ClinVar:

NM_024675.4(PALB2):c.110del (p.Arg37fs)

Gene: PALB2 (partner and localizer of BRCA2; minus strand). Cytogenetic location: 16p12.2.
Variant type: Deletion.
Coding change: c.110del on transcript NM_024675.4 (MANE Select); coding-DNA position 110, one base deleted (G; older notation c.110delG).
Protein change: p.Arg37fs; shifts the reading frame from arginine 37.
Molecular consequence: frameshift variant. On other transcripts: 5 prime UTR variant (8), intron variant (3).
Genome position (GRCh38, 1-based): chr16:23,637,951, C deleted on the plus strand (G on the coding strand, the reverse complement: PALB2 is on the minus strand). VCF-style (leftmost placement, unchanged base first): chr16-23637950-AC-A. GRCh37 (hg19) VCF-style: chr16-23649271-AC-A.
Other names: c.50del, p.Arg17fs (NM_001407296.1); c.110del, p.Arg37fs (NM_001407297.1, NM_001407298.1, NM_001407299.1 and 3 more transcripts); c.-776del (NM_001407304.1, NM_001407305.1, NM_001407306.1 and 5 more transcripts); c.48+3159del (NM_001407314.1); c.-105+3159del (NM_001407313.1, NM_001407312.1); short protein forms R17fs, R37fs.
Identifiers: ClinVar variation 3227981 (VCV003227981.1), dbSNP rs2506536640, ClinGen allele CA2825002434.

ClinVar aggregate classification (germline): Pathogenic (1 of 4 stars; one submission).

Conditions:
Hereditary cancer-predisposing syndrome. Also called: Neoplastic Syndromes, Hereditary; Tumor predisposition; Hereditary neoplastic syndrome; Hereditary Cancer Syndrome. Identifiers: Orphanet 140162, MedGen C0027672, MeSH D009386, MONDO:0015356.

Submission:

Ambry Genetics
Classification: Pathogenic for Hereditary cancer-predisposing syndrome. Last evaluated: 2024-03-04. Review status: criteria provided, single submitter. Criteria: Ambry Variant Classification Scheme 2023. Collection method: clinical testing. Allele origin: germline.
Comment: The c.110delG pathogenic mutation, located in coding exon 3 of the PALB2 gene, results from a deletion of one nucleotide at nucleotide position 110, causing a translational frameshift with a predicted alternate stop codon (p.R37Lfs*16). This alteration is expected to result in loss of function by premature protein truncation or nonsense-mediated mRNA decay. As such, this alteration is interpreted as a disease-causing mutation.